The following is an entry in ClinVar:

NM_133497.4(KCNV2):c.542_543delinsCT (p.Phe181Ser)

Gene: KCNV2 (potassium voltage-gated channel modifier subfamily V member 2; plus strand). Cytogenetic location: 9p24.2.
Variant type: Indel.
Coding change: c.542_543delinsCT on transcript NM_133497.4 (MANE Select); coding-DNA positions 542 to 543, TC replaced by CT.
Protein change: p.Phe181Ser; replaces phenylalanine 181 with serine.
Molecular consequence: missense variant.
Genome position (GRCh38, 1-based): chr9:2,718,281-2,718,282, TC replaced by CT. VCF-style: chr9-2718281-TC-CT. GRCh37 (hg19) VCF-style: chr9-2718281-TC-CT.
Other names: short protein forms F181S.
Identifiers: ClinVar variation 1372876 (VCV001372876.7), dbSNP rs2130860769, ClinGen allele CA2573143774.

ClinVar aggregate classification (germline): Uncertain significance. Review status: criteria provided, multiple submitters, no conflicts (2 of 4 stars). 2 submissions from 2 submitters: Uncertain significance (2). Last evaluated 2024-02-24.

Submissions (2):

Labcorp Genetics (formerly Invitae), Labcorp
Classification: Uncertain significance. Last evaluated: 2024-02-24. Review status: criteria provided, single submitter. Criteria: Invitae Variant Classification Sherloc (09022015). Collection method: clinical testing. Allele origin: germline.
Comment: This sequence change replaces phenylalanine, which is neutral and non-polar, with serine, which is neutral and polar, at codon 181 of the KCNV2 protein (p.Phe181Ser). Information on the frequency of this variant in the gnomAD database is not available, as this variant may be reported differently in the database. This variant has not been reported in the literature in individuals affected with KCNV2-related conditions. ClinVar contains an entry for this variant (Variation ID: 1372876). An algorithm developed to predict the effect of missense changes on protein structure and function (PolyPhen-2) suggests that this variant is likely to be disruptive. In summary, the available evidence is currently insufficient to determine the role of this variant in disease. Therefore, it has been classified as a Variant of Uncertain Significance.

Blueprint Genetics
Classification: Uncertain significance. Last evaluated: 2022-09-12. Review status: criteria provided, single submitter. Criteria: ACMG Guidelines, 2015. Collection method: clinical testing. Allele origin: germline.